The following is an entry in ClinVar:

NM_153033.5(KCTD7):c.*1727G>C

Gene: KCTD7 (potassium channel tetramerization domain containing 7; plus strand). Cytogenetic location: 7q11.21.
Variant type: single nucleotide variant.
Coding change: c.*1727G>C on transcript NM_153033.5 (MANE Select); 1727 bases downstream of the stop codon, G replaced by C.
Molecular consequence: 3 prime UTR variant.
Genome position (GRCh38, 1-based): chr7:66,640,959, G>C. VCF-style: chr7-66640959-G-C. GRCh37 (hg19) VCF-style: chr7-66105946-G-C.
Other names: c.*565G>C (NM_001167961.2).
Identifiers: ClinVar variation 360608 (VCV000360608.6), dbSNP rs17229513, ClinGen allele CA10624191.

ClinVar aggregate classification (germline): Benign. Review status: criteria provided, multiple submitters, no conflicts (2 of 4 stars). 2 submissions from 2 submitters: Benign (2). Last evaluated 2018-01-13.

Conditions:
Progressive myoclonic epilepsy type 3. Also called: EPILEPSY, PROGRESSIVE MYOCLONIC, 3, WITH OR WITHOUT INTRACELLULAR INCLUSIONS; CEROID LIPOFUSCINOSIS, NEURONAL, 14; EPILEPSY, PROGRESSIVE MYOCLONIC, 3, WITHOUT INTRACELLULAR INCLUSIONS; KCTD7-Related Progressive Myoclonic Epilepsy. Identifiers: Orphanet 263516, MedGen C2673257, MONDO:0012721, OMIM 611726.

Allele frequency attached by ClinVar (database versions not stated): 1000 Genomes Project 30x 0.03467; TOPMed 0.03475; gnomAD 0.03560 and 0.03687; 1000 Genomes Project 0.03714.
gnomAD v4.1: 42,778 of 985,492 alleles (4.3%); highest among the groups gnomAD compares: East Asian, 9.2%; 1,044 homozygotes.

Submissions (2):

Illumina Laboratory Services, Illumina
Classification: Benign for Progressive myoclonic epilepsy type 3. Last evaluated: 2018-01-13. Review status: criteria provided, single submitter. Criteria: ICSL Variant Classification Criteria 13 December 2019. Collection method: clinical testing. Allele origin: germline.
Comment: This variant was observed in the ICSL laboratory as part of a predisposition screen in an ostensibly healthy population. It had not been previously curated by ICSL or reported in the Human Gene Mutation Database (HGMD: prior to June 1st, 2018), and was therefore a candidate for classification through an automated scoring system. Utilizing variant allele frequency, disease prevalence and penetrance estimates, and inheritance mode, an automated score was calculated to assess if this variant is too frequent to cause the disease. Based on the score and internal cut-off values, a variant classified as benign is not then subjected to further curation. The score for this variant resulted in a classification of benign for this disease.

Breakthrough Genomics
Classification: Benign. Review status: criteria provided, single submitter. Criteria: ACMG Guidelines, 2015. Collection method: not provided. Allele origin: germline. Inheritance: Autosomal recessive inheritance. Affected: yes.